The following is an entry in ClinVar:

ClinVar aggregate classification (germline): Uncertain significance. Review status: criteria provided, multiple submitters, no conflicts (2 of 4 stars). 2 submissions from 2 submitters: Uncertain significance (2). Last evaluated 2025-10-27.

Conditions:
Inborn genetic diseases. Identifiers: MedGen C0950123, MeSH D030342.

Allele frequency attached by ClinVar (database versions not stated): gnomAD exomes below 0.00001; gnomAD 0.00002.
gnomAD v4.1: 8 of 1,612,008 alleles (0.0005%); highest among the groups gnomAD compares: African/African-American, 0.008%; no homozygotes.

Submissions (2):

Labcorp Genetics (formerly Invitae), Labcorp
Classification: Uncertain significance. Last evaluated: 2025-10-27. Review status: criteria provided, single submitter. Criteria: Invitae Variant Classification Sherloc (09022015). Collection method: clinical testing. Allele origin: germline.
Comment: This sequence change replaces arginine, which is basic and polar, with glutamine, which is neutral and polar, at codon 346 of the PHIP protein (p.Arg346Gln). This variant is present in population databases (no rsID available, gnomAD 0.007%). This variant has not been reported in the literature in individuals affected with PHIP-related conditions. ClinVar contains an entry for this variant (Variation ID: 2486700). Invitae Evidence Modeling of protein sequence and biophysical properties (such as structural, functional, and spatial information, amino acid conservation, physicochemical variation, residue mobility, and thermodynamic stability) has been performed for this missense variant. However, the output from this modeling did not meet the statistical confidence thresholds required to predict the impact of this variant on PHIP protein function. In summary, the available evidence is currently insufficient to determine the role of this variant in disease. Therefore, it has been classified as a Variant of Uncertain Significance.

Ambry Genetics
Classification: Uncertain significance for Inborn genetic diseases. Last evaluated: 2023-02-17. Review status: criteria provided, single submitter. Criteria: Ambry Variant Classification Scheme 2023. Collection method: clinical testing. Allele origin: germline.

NM_017934.7(PHIP):c.1037G>A (p.Arg346Gln)

Gene: PHIP (PHIP subunit of CUL4-Ring ligase complex; minus strand). Cytogenetic location: 6q14.1.
Variant type: single nucleotide variant.
Coding change: c.1037G>A on transcript NM_017934.7 (MANE Select); coding-DNA position 1037, G replaced by A.
Protein change: p.Arg346Gln; replaces arginine 346 with glutamine.
Molecular consequence: missense variant.
Genome position (GRCh38, 1-based): chr6:79,017,541, C>T on the plus strand (G>A on the coding strand, the complement: PHIP is on the minus strand). VCF-style: chr6-79017541-C-T. GRCh37 (hg19) VCF-style: chr6-79727258-C-T.
Other names: short protein forms R346Q.
Identifiers: ClinVar variation 2486700 (VCV002486700.5), dbSNP rs1011731277, ClinGen allele CA141857024.